The following is an entry in ClinVar:

ClinVar aggregate classification (germline): Conflicting classifications of pathogenicity. Review status: criteria provided, conflicting classifications (1 of 4 stars). 5 submissions from 5 submitters: Uncertain significance (2); Likely benign (3). Last evaluated 2026-01-28.

Conditions:
Inborn genetic diseases. Identifiers: MedGen C0950123, MeSH D030342.
Cutis laxa, X-linked (OHS). Also called: EDS IX; Occipital horn syndrome. Identifiers: Orphanet 198, MedGen C0268353, MONDO:0010572, OMIM 304150.
X-linked distal spinal muscular atrophy type 3. Also called: SPINAL MUSCULAR ATROPHY, DISTAL, X-LINKED RECESSIVE; NEURONOPATHY, DISTAL HEREDITARY MOTOR, X-LINKED; NEUROPATHY, DISTAL HEREDITARY MOTOR, X-LINKED; ATP7A-Related Distal Motor Neuropathy. Identifiers: Orphanet 139557, MedGen C1845359, MONDO:0010338, OMIM 300489.
Menkes kinky-hair syndrome (MNK). Also called: Copper transport disease; Classic Menkes Disease; Menkes Disease. Identifiers: Orphanet 565, MedGen C0022716, MONDO:0010651, OMIM 309400.

Allele frequency attached by ClinVar (database versions not stated): ExAC 0.00002; gnomAD exomes 0.00002 and 0.00005; TOPMed 0.00002; gnomAD 0.00003.
gnomAD v4.1: 58 of 1,210,331 alleles (0.0048%); highest among the groups gnomAD compares: Middle Eastern, 0.091%; no homozygotes.

Submissions (5):

Labcorp Genetics (formerly Invitae), Labcorp
Classification: Likely benign for X-linked distal spinal muscular atrophy type 3; Cutis laxa, X-linked; Menkes kinky-hair syndrome. Last evaluated: 2026-01-28. Review status: criteria provided, single submitter. Criteria: Invitae Variant Classification Sherloc (09022015). Collection method: clinical testing. Allele origin: germline.

CeGaT Center for Human Genetics Tuebingen
Classification: Likely benign. Last evaluated: 2023-11-01. Review status: criteria provided, single submitter. Criteria: CeGaT Center For Human Genetics Tuebingen Variant Classification Criteria Version 2. Collection method: clinical testing. Allele origin: germline. Affected: yes. Observed: 1 variant allele.
Comment: ATP7A: BP4

Ambry Genetics
Classification: Uncertain significance for Inborn genetic diseases. Last evaluated: 2023-08-29. Review status: criteria provided, single submitter. Criteria: Ambry Variant Classification Scheme 2023. Collection method: clinical testing. Allele origin: germline.

Mayo Clinic Laboratories, Mayo Clinic
Classification: Uncertain significance. Last evaluated: 2020-08-05. Review status: criteria provided, single submitter. Criteria: ACMG Guidelines, 2015. Collection method: clinical testing. Allele origin: germline. Observed: 1 variant allele.

GeneDx
Classification: Likely benign. Last evaluated: 2019-08-21. Review status: criteria provided, single submitter. Criteria: GeneDx Variant Classification Process June 2021. Collection method: clinical testing. Allele origin: germline. Affected: yes.

NM_000052.7(ATP7A):c.844A>G (p.Ile282Val)

Gene: ATP7A (ATPase copper transporting alpha; plus strand). Cytogenetic location: Xq21.1.
Variant type: single nucleotide variant.
Coding change: c.844A>G on transcript NM_000052.7 (MANE Select); coding-DNA position 844, A replaced by G.
Protein change: p.Ile282Val; replaces isoleucine 282 with valine.
Molecular consequence: missense variant.
Genome position (GRCh38, 1-based): chrX:77,989,466, A>G. VCF-style: chrX-77989466-A-G. GRCh37 (hg19) VCF-style: chrX-77244962-A-G.
Other names: c.844A>G, p.Ile282Val (NM_001282224.2); short protein forms I282V.
Identifiers: ClinVar variation 579959 (VCV000579959.41), dbSNP rs782237314, ClinGen allele CA10458964.